The following is an entry in ClinVar:

NM_004984.4(KIF5A):c.659C>T (p.Thr220Met)

Gene: KIF5A (kinesin family member 5A; plus strand). Cytogenetic location: 12q13.3.
Variant type: single nucleotide variant.
Coding change: c.659C>T on transcript NM_004984.4 (MANE Select); coding-DNA position 659, C replaced by T.
Protein change: p.Thr220Met; replaces threonine 220 with methionine.
Molecular consequence: missense variant.
Genome position (GRCh38, 1-based): chr12:57,567,563, C>T. VCF-style: chr12-57567563-C-T. GRCh37 (hg19) VCF-style: chr12-57961346-C-T.
Other names: c.392C>T, p.Thr131Met (NM_001354705.2); c.659C>T (NM_004984.2); short protein forms T131M, T220M.
Identifiers: ClinVar variation 1437401 (VCV001437401.9), dbSNP rs772697257, ClinGen allele CA6652648.

ClinVar aggregate classification (germline): Uncertain significance. Review status: criteria provided, multiple submitters, no conflicts (2 of 4 stars). 2 submissions from 2 submitters: Uncertain significance (2). Last evaluated 2026-01-27.

Conditions:
Spastic paraplegia. Identifiers: MedGen C0037772, HP:0001258.

Allele frequency attached by ClinVar (database versions not stated): ExAC 0.00001; gnomAD 0.00001 and 0.00002; gnomAD exomes 0.00001.
gnomAD v4.1: 16 of 1,612,710 alleles (0.00099%); highest among the groups gnomAD compares: African/African-American, 0.0013%; no homozygotes.

Submissions (2):

Labcorp Genetics (formerly Invitae), Labcorp
Classification: Uncertain significance for Spastic paraplegia. Last evaluated: 2026-01-27. Review status: criteria provided, single submitter. Criteria: Invitae Variant Classification Sherloc (09022015). Collection method: clinical testing. Allele origin: germline.
Comment: This sequence change replaces threonine, which is neutral and polar, with methionine, which is neutral and non-polar, at codon 220 of the KIF5A protein (p.Thr220Met). This variant is present in population databases (rs772697257, gnomAD 0.002%). This variant has not been reported in the literature in individuals affected with KIF5A-related conditions. ClinVar contains an entry for this variant (Variation ID: 1437401). Invitae Evidence Modeling of protein sequence and biophysical properties (such as structural, functional, and spatial information, amino acid conservation, physicochemical variation, residue mobility, and thermodynamic stability) has been performed for this missense variant. However, the output from this modeling did not meet the statistical confidence thresholds required to predict the impact of this variant on KIF5A protein function. In summary, the available evidence is currently insufficient to determine the role of this variant in disease. Therefore, it has been classified as a Variant of Uncertain Significance.

GeneDx
Classification: Uncertain significance. Last evaluated: 2025-03-13. Review status: criteria provided, single submitter. Criteria: GeneDx Variant Classification Process June 2021. Collection method: clinical testing. Allele origin: germline. Affected: yes.
Comment: In silico analysis supports that this missense variant has a deleterious effect on protein structure/function; Has not been previously published as pathogenic or benign to our knowledge; This variant is associated with the following publications: (PMID: 22785106, 25008398)